The following is an entry in ClinVar:

NM_004360.5(CDH1):c.1988A>G (p.Tyr663Cys)

Gene: CDH1 (cadherin 1; plus strand). Cytogenetic location: 16q22.1.
Variant type: single nucleotide variant.
Coding change: c.1988A>G on transcript NM_004360.5 (MANE Select); coding-DNA position 1988, A replaced by G.
Protein change: p.Tyr663Cys; replaces tyrosine 663 with cysteine.
Molecular consequence: missense variant.
Genome position (GRCh38, 1-based): chr16:68,823,450, A>G. VCF-style: chr16-68823450-A-G. GRCh37 (hg19) VCF-style: chr16-68857353-A-G.
Other names: p.Y663C:TAC>TGC; c.1988A>G (LRG_301t1); c.1805A>G, p.Tyr602Cys (NM_001317184.2); c.440A>G, p.Tyr147Cys (NM_001317185.2); c.23A>G, p.Tyr8Cys (NM_001317186.2); short protein forms Y663C, Y147C, Y8C, Y602C.
Identifiers: ClinVar variation 141160 (VCV000141160.40), dbSNP rs372182377, ClinGen allele CA294086.

ClinVar aggregate classification (germline): Conflicting classifications of pathogenicity. Review status: criteria provided, conflicting classifications (1 of 4 stars). 11 submissions from 11 submitters: Uncertain significance (8); Likely benign (2). 1 of the submissions does not count toward it. Last evaluated 2026-01-13.

Conditions:
CDH1-related disorder. Also called: CDH1-related condition.
Hereditary cancer-predisposing syndrome. Also called: Tumor predisposition; Neoplastic Syndromes, Hereditary; Hereditary neoplastic syndrome; Hereditary Cancer Syndrome. Identifiers: Orphanet 140162, MedGen C0027672, MeSH D009386, MONDO:0015356.
Hereditary diffuse gastric adenocarcinoma (HDGC). Also called: DIFFUSE GASTRIC AND LOBULAR BREAST CANCER SYNDROME. Identifiers: Orphanet 26106, MedGen C1708349, MONDO:0007648, OMIM 137215.
Malignant tumor of breast. Also called: Malignant breast neoplasm; Cancer breast. Identifiers: MedGen C0006142, MONDO:0007254. Disease mechanism: loss of function.

Allele frequency attached by ClinVar (database versions not stated): gnomAD exomes below 0.00001; gnomAD 0.00005; TOPMed 0.00005; ESP Exome Variant Server 0.00008.
gnomAD v4.1: 13 of 1,613,972 alleles (0.00081%); highest among the groups gnomAD compares: African/African-American, 0.0027%; no homozygotes.

Submissions (11):

Labcorp Genetics (formerly Invitae), Labcorp
Classification: Likely benign for Hereditary diffuse gastric adenocarcinoma. Last evaluated: 2026-01-13. Review status: criteria provided, single submitter. Criteria: Invitae Variant Classification Sherloc (09022015). Collection method: clinical testing. Allele origin: germline.

PreventionGenetics, part of Exact Sciences
Classification: Uncertain significance for CDH1-related condition. Last evaluated: 2026-01-10. Review status: criteria provided, single submitter. Criteria: ACMG Guidelines, 2015. Collection method: clinical testing. Allele origin: germline.
Comment: The CDH1 c.1988A>G variant is predicted to result in the amino acid substitution p.Tyr663Cys. This variant has been reported in an individual with pancreatic ductal adenocarcinoma (Table A2, Shindo et al 2017. PubMed ID: 28767289), at least one individual with a history of recurrent or metastatic prostate cancer (Supplementary Table 1, Isaacsson Velho et al. 2018. PubMed ID: 29368341), and three individuals with breast cancer (Table S2, Hauke et al. 2018. PubMed ID: 29522266). This variant is reported in 0.0040% of alleles in individuals of African descent in gnomAD and has conflicting interpretations in ClinVar ranging from likely benign to uncertain (Variation ID: 141160). At this time, the clinical significance of this variant is uncertain due to the absence of conclusive functional and genetic evidence.

GeneDx
Classification: Uncertain significance. Last evaluated: 2025-05-28. Review status: criteria provided, single submitter. Criteria: GeneDx Variant Classification Process June 2021. Collection method: clinical testing. Allele origin: germline. Affected: yes.
Comment: Not observed at significant frequency in large population cohorts (gnomAD); In silico analysis supports that this missense variant has a deleterious effect on protein structure/function; Observed in individuals with breast, pancreatic and prostate cancer (PMID: 29368341, 28767289, 29522266); This variant is associated with the following publications: (PMID: 28767289, 29368341, 29522266, 15235021, 22850631)

St. Jude Molecular Pathology, St. Jude Children's Research Hospital
Classification: Uncertain significance for Hereditary diffuse gastric adenocarcinoma. Last evaluated: 2022-11-29. Review status: criteria provided, single submitter. Criteria: St. Jude Assertion Criteria 2020. Collection method: clinical testing. Allele origin: germline.
Comment: The CDH1 c.1988A>G (p.Tyr663Cys) missense change has a maximum subpopulation frequency of 0.0040% in gnomAD v2.1.1. To our knowledge, this variant has not been reported in the literature in individuals with diffuse gastric and lobular breast cancer syndrome. In summary, the evidence currently available is insufficient to determine the clinical significance of this variant. It has therefore been classified as of uncertain significance.

Quest Diagnostics Nichols Institute San Juan Capistrano
Classification: Uncertain significance. Last evaluated: 2022-10-28. Review status: criteria provided, single submitter. Criteria: Quest Diagnostics criteria. Collection method: clinical testing. Allele origin: unknown.
Comment: The frequency of this variant in the general population, 0.000031 (4/129178 chromosomes), is uninformative in assessment of its pathogenicity. In the published literature, the variant has been reported in individuals with breast cancer (PMID: 29522266 (2018)), prostate cancer (PMID: 29522266 (2018)), and pancreatic cancer (PMID: 28767289 (2017)). Analysis of this variant using bioinformatics tools for the prediction of the effect of amino acid changes on protein structure and function yielded predictions that this variant is damaging. Based on the available information, we are unable to determine the clinical significance of this variant.

Color Diagnostics, LLC DBA Color Health
Classification: Uncertain significance for Hereditary cancer-predisposing syndrome. Last evaluated: 2022-07-25. Review status: criteria provided, single submitter. Criteria: ACMG Guidelines, 2015. Collection method: clinical testing. Allele origin: germline.
Comment: This missense variant replaces tyrosine with cysteine at codon 663 of the CDH1 protein. To our knowledge, functional studies have not been reported for this variant. This variant has been reported in individuals affected with breast and/or ovarian cancer, prostate cancer and pancreatic cancer (PMID: 28767289, 29368341, 29522266). This variant has been identified in 5/282856 chromosomes in the general population by the Genome Aggregation Database (gnomAD). The available evidence is insufficient to determine the role of this variant in disease conclusively. Therefore, this variant is classified as a Variant of Uncertain Significance.

Women's Health and Genetics/Laboratory Corporation of America, LabCorp
Classification: Uncertain significance. Last evaluated: 2022-06-13. Review status: criteria provided, single submitter. Criteria: LabCorp Variant Classification Summary - May 2015. Collection method: clinical testing. Allele origin: germline.
Comment: Variant summary: CDH1 c.1988A>G (p.Tyr663Cys) results in a non-conservative amino acid change located in the Cadherin-like domain of the encoded protein sequence. Five of five in-silico tools predict a damaging effect of the variant on protein function. The variant allele was found at a frequency of 4e-06 in 251478 control chromosomes. The available data on variant occurrences in the general population are insufficient to allow any conclusion about variant significance. c.1988A>G has been reported in the literature in individuals affected with Pancreatic cancer or Prostate cancer. These reports do not provide unequivocal conclusions about association of the variant with Hereditary Diffuse Gastric Cancer. To our knowledge, no experimental evidence demonstrating an impact on protein function has been reported. Five clinical diagnostic laboratories have submitted clinical-significance assessments for this variant to ClinVar after 2014 without evidence for independent evaluation. Based on the evidence outlined above, the variant was classified as uncertain significance.

MGZ Medical Genetics Center
Classification: Uncertain significance for Hereditary diffuse gastric adenocarcinoma. Last evaluated: 2022-04-26. Review status: criteria provided, single submitter. Criteria: ACMG Guidelines, 2015. Collection method: clinical testing. Allele origin: germline. Affected: yes. Observed: 1 variant allele.
Comment: ACMG criteria applied: PM2_SUP

Ambry Genetics
Classification: Likely benign for Hereditary cancer-predisposing syndrome. Last evaluated: 2020-07-20. Review status: criteria provided, single submitter. Criteria: Ambry Variant Classification Scheme 2023. Collection method: clinical testing. Allele origin: germline.

Genetic Services Laboratory, University of Chicago
Classification: Uncertain significance. Last evaluated: 2016-07-26. Review status: criteria provided, single submitter. Criteria: ACMG Guidelines, 2015. Collection method: clinical testing. Allele origin: germline. Affected: no.

Department of Pathology and Laboratory Medicine, Sinai Health System
Classification: Uncertain significance for Malignant tumor of breast. Review status: no assertion criteria provided. Collection method: clinical testing. Allele origin: unknown. Affected: yes. Study: The Canadian Open Genetics Repository (COGR). Not counted in ClinVar's aggregate classification.
Comment: The CDH1 p.Tyr663Cys variant was not identified in the literature nor was it identified in the Cosmic, MutDB, or Zhejiang University database. The variant was identified in dbSNP (ID: rs372182377) as "With Uncertain significance allele", and in ClinVar (classified as uncertain significance by Invitae, GeneDx, Ambry Genetics and two other submitters). The variant was identified in 5 of 277208 chromosomes at a frequency of 0.00002 (Genome Aggregation Database Feb 27, 2017). The variant was observed in the following populations: African in 1 of 24028 chromosomes (freq: 0.00004), European in 4 of 126710 chromosomes (freq: 0.00003), but not in the Other, Latino, Ashkenazi Jewish, East Asian, Finnish, and South Asian populations. The p.Tyr663 residue is conserved across mammals and other organisms, and computational analyses (PolyPhen-2, SIFT, AlignGVGD, BLOSUM, MutationTaster) suggest that the variant may impact the protein; however, this information is not predictive enough to assume pathogenicity. The variant occurs outside of the splicing consensus sequence and in silico or computational prediction software programs (SpliceSiteFinder, MaxEntScan, NNSPLICE, GeneSplicer) do not predict a difference in splicing. In summary, based on the above information the clinical significance of this variant cannot be determined with certainty at this time. This variant is classified as a variant of uncertain significance.

Literature cited by the submitters: PubMed 29522266 (cited by 3 submitters); PubMed 28767289 (cited by 4 submitters); PubMed 29368341 (cited by 4 submitters).